The following is an entry in ClinVar:

ClinVar aggregate classification (germline): Uncertain significance (1 of 4 stars; one submission).

Conditions:
Diamond-Blackfan anemia. Also called: Blackfan Diamond syndrome; Aregenerative anemia chronic congenital; Red cell aplasia, pure hereditary; Congenital hypoplastic anemia; Aase syndrome. Identifiers: Orphanet 124, MedGen C1260899, MeSH D029503, MONDO:0015253, HP:0004810.

Submission:

Labcorp Genetics (formerly Invitae), Labcorp
Classification: Uncertain significance for Diamond-Blackfan anemia. Last evaluated: 2019-06-12. Review status: criteria provided, single submitter. Criteria: Invitae Variant Classification Sherloc (09022015). Collection method: clinical testing. Allele origin: germline.
Comment: This sequence change replaces isoleucine with threonine at codon 68 of the RPL11 protein (p.Ile68Thr). The isoleucine residue is highly conserved and there is a moderate physicochemical difference between isoleucine and threonine. This variant is not present in population databases (ExAC no frequency). This variant has not been reported in the literature in individuals with RPL11-related conditions. Algorithms developed to predict the effect of missense changes on protein structure and function are either unavailable or do not agree on the potential impact of this missense change (SIFT: "Deleterious"; PolyPhen-2: "Possibly Damaging"; Align-GVGD: "Class C0"). In summary, the available evidence is currently insufficient to determine the role of this variant in disease. Therefore, it has been classified as a Variant of Uncertain Significance.

NM_000975.5(RPL11):c.203T>C (p.Ile68Thr)

Gene: RPL11 (ribosomal protein L11; plus strand). Cytogenetic location: 1p36.11.
Variant type: single nucleotide variant.
Coding change: c.203T>C on transcript NM_000975.5 (MANE Select); coding-DNA position 203, T replaced by C.
Protein change: p.Ile68Thr; replaces isoleucine 68 with threonine.
Molecular consequence: missense variant.
Genome position (GRCh38, 1-based): chr1:23,693,852, T>C. VCF-style: chr1-23693852-T-C. GRCh37 (hg19) VCF-style: chr1-24020342-T-C.
Other names: c.200T>C, p.Ile67Thr (NM_001199802.1); short protein forms I67T, I68T.
Identifiers: ClinVar variation 941661 (VCV000941661.10), dbSNP rs1644517016, ClinGen allele CA338992776.